The following is an entry in ClinVar:

ClinVar aggregate classification (germline): Uncertain significance. Review status: criteria provided, multiple submitters, no conflicts (2 of 4 stars). 2 submissions from 2 submitters: Uncertain significance (2). Last evaluated 2023-12-11.

Conditions:
Mendelian susceptibility to mycobacterial diseases due to complete IL12RB1 deficiency. Also called: IL12RB1 DEFICIENCY; Immunodeficiency 30. Identifiers: Orphanet 319552, MedGen C4013949, MONDO:0013955, OMIM 614891.

Allele frequency attached by ClinVar (database versions not stated): ExAC 0.00001; gnomAD exomes 0.00001; TOPMed 0.00002; gnomAD 0.00003; ESP Exome Variant Server 0.00016.

Submissions (2):

Labcorp Genetics (formerly Invitae), Labcorp
Classification: Uncertain significance for Mendelian susceptibility to mycobacterial diseases due to complete IL12RB1 deficiency. Last evaluated: 2023-12-11. Review status: criteria provided, single submitter. Criteria: Invitae Variant Classification Sherloc (09022015). Collection method: clinical testing. Allele origin: germline.
Comment: This sequence change replaces threonine, which is neutral and polar, with methionine, which is neutral and non-polar, at codon 517 of the IL12RB1 protein (p.Thr517Met). This variant is present in population databases (rs372578469, gnomAD 0.002%). This missense change has been observed in individual(s) with eczema herpeticum (PMID: 26343451). ClinVar contains an entry for this variant (Variation ID: 654353). Advanced modeling of protein sequence and biophysical properties (such as structural, functional, and spatial information, amino acid conservation, physicochemical variation, residue mobility, and thermodynamic stability) has been performed at Invitae for this missense variant, however the output from this modeling did not meet the statistical confidence thresholds required to predict the impact of this variant on IL12RB1 protein function. In summary, the available evidence is currently insufficient to determine the role of this variant in disease. Therefore, it has been classified as a Variant of Uncertain Significance.

Blueprint Genetics
Classification: Uncertain significance. Last evaluated: 2023-09-12. Review status: criteria provided, single submitter. Criteria: ACMG Guidelines, 2015. Collection method: clinical testing. Allele origin: germline.

Literature cited by the submitters: PubMed 26343451 (cited by Labcorp Genetics (formerly Invitae), Labcorp).

NM_005535.3(IL12RB1):c.1550C>T (p.Thr517Met)

Gene: IL12RB1 (interleukin 12 receptor subunit beta 1; minus strand). Cytogenetic location: 19p13.11.
Variant type: single nucleotide variant.
Coding change: c.1550C>T on transcript NM_005535.3 (MANE Select); coding-DNA position 1550, C replaced by T.
Protein change: p.Thr517Met; replaces threonine 517 with methionine.
Molecular consequence: missense variant.
Genome position (GRCh38, 1-based): chr19:18,063,944, G>A on the plus strand (C>T on the coding strand, the complement: IL12RB1 is on the minus strand). VCF-style: chr19-18063944-G-A. GRCh37 (hg19) VCF-style: chr19-18174754-G-A.
Other names: c.1550C>T, p.Thr517Met (NM_001290023.2); c.1670C>T, p.Thr557Met (NM_001290024.2); short protein forms T517M, T557M.
Identifiers: ClinVar variation 654353 (VCV000654353.10), dbSNP rs372578469, ClinGen allele CA9304797.